The following is an entry in ClinVar:

NM_001365536.1(SCN9A):c.3460T>C (p.Cys1154Arg)

Genes: SCN1A-AS1 (SCN1A and SCN9A antisense RNA 1; plus strand), SCN9A (sodium voltage-gated channel alpha subunit 9; minus strand). Cytogenetic location: 2q24.3.
Variant type: single nucleotide variant.
Coding change: c.3460T>C on transcript NM_001365536.1 (MANE Select); coding-DNA position 3460, T replaced by C.
Protein change: p.Cys1154Arg; replaces cysteine 1154 with arginine.
Molecular consequence: missense variant.
Genome position (GRCh38, 1-based): chr2:166,251,777, A>G on the plus strand (T>C on the coding strand, the complement: SCN9A is on the minus strand). VCF-style: chr2-166251777-A-G. GRCh37 (hg19) VCF-style: chr2-167108287-A-G.
Other names: c.3427T>C, p.Cys1143Arg (NM_002977.4); short protein forms C1143R, C1154R.
Identifiers: ClinVar variation 1731321 (VCV001731321.2), dbSNP rs1696049423, ClinGen allele CA349071751.

ClinVar aggregate classification (germline): Uncertain significance (1 of 4 stars; one submission).

Conditions:
Inborn genetic diseases. Identifiers: MedGen C0950123, MeSH D030342.

Submission:

Ambry Genetics
Classification: Uncertain significance for Inborn genetic diseases. Last evaluated: 2021-04-05. Review status: criteria provided, single submitter. Criteria: Ambry Variant Classification Scheme 2023. Collection method: clinical testing. Allele origin: germline.
Comment: The p.C1143R variant (also known as c.3427T>C), located in coding exon 17 of the SCN9A gene, results from a T to C substitution at nucleotide position 3427. The cysteine at codon 1143 is replaced by arginine, an amino acid with highly dissimilar properties. This amino acid position is highly conserved in available vertebrate species. In addition, this alteration is predicted to be deleterious by in silico analysis. Since supporting evidence is limited at this time, the clinical significance of this alteration remains unclear.